The following is an entry in ClinVar:

ClinVar aggregate classification (germline): Uncertain significance (1 of 4 stars; one submission).

Submission:

GeneDx
Classification: Uncertain significance. Last evaluated: 2026-03-30. Review status: criteria provided, single submitter. Criteria: GeneDx Variant Classification Process June 2021. Collection method: clinical testing. Allele origin: germline.
Comment: Not observed at significant frequency in large population cohorts (gnomAD); In silico analysis supports that this missense variant has a deleterious effect on protein structure/function; Has not been previously published as pathogenic or benign to our knowledge

NM_003590.5(CUL3):c.1108A>T (p.Ile370Phe)

Gene: CUL3 (cullin 3; minus strand). Cytogenetic location: 2q36.2.
Variant type: single nucleotide variant.
Coding change: c.1108A>T on transcript NM_003590.5 (MANE Select); coding-DNA position 1108, A replaced by T.
Protein change: p.Ile370Phe; replaces isoleucine 370 with phenylalanine.
Molecular consequence: missense variant.
Genome position (GRCh38, 1-based): chr2:224,506,054, T>A on the plus strand (A>T on the coding strand, the complement: CUL3 is on the minus strand). VCF-style: chr2-224506054-T-A. GRCh37 (hg19) VCF-style: chr2-225370771-T-A.
Other names: c.910A>T, p.Ile304Phe (NM_001257197.2); c.1126A>T, p.Ile376Phe (NM_001257198.2); short protein forms I304F, I370F, I376F.
Identifiers: ClinVar variation 5017916 (VCV005017916.1).